The following is an entry in ClinVar:

ClinVar aggregate classification (germline): Uncertain significance. Review status: criteria provided, single submitter (1 of 4 stars). 2 submissions from 2 submitters: Uncertain significance (1). 1 of the submissions does not count toward it. Last evaluated 2024-01-02.

Conditions:
Autosomal recessive axonal hereditary motor and sensory neuropathy. Identifiers: Orphanet 91024, MedGen C5680194, MONDO:0019601.

Allele frequency attached by ClinVar (database versions not stated): gnomAD 0.00002; TOPMed 0.00006; ESP Exome Variant Server 0.00008.
gnomAD v4.1: 24 of 1,613,356 alleles (0.0015%); highest among the groups gnomAD compares: African/African-American, 0.0067%; no homozygotes.

Submissions (2):

Labcorp Genetics (formerly Invitae), Labcorp
Classification: Uncertain significance. Last evaluated: 2024-01-02. Review status: criteria provided, single submitter. Criteria: Invitae Variant Classification Sherloc (09022015). Collection method: clinical testing. Allele origin: germline.
Comment: This sequence change replaces arginine, which is basic and polar, with serine, which is neutral and polar, at codon 257 of the MME protein (p.Arg257Ser). This variant is present in population databases (rs145687755, gnomAD 0.009%). This variant has not been reported in the literature in individuals affected with MME-related conditions. ClinVar contains an entry for this variant (Variation ID: 549701). Advanced modeling of protein sequence and biophysical properties (such as structural, functional, and spatial information, amino acid conservation, physicochemical variation, residue mobility, and thermodynamic stability) performed at Invitae indicates that this missense variant is not expected to disrupt MME protein function with a negative predictive value of 80%. In summary, the available evidence is currently insufficient to determine the role of this variant in disease. Therefore, it has been classified as a Variant of Uncertain Significance.

Institute of Human Genetics, Cologne University
Classification: Uncertain significance for Autosomal recessive axonal hereditary motor and sensory neuropathy. Last evaluated: 2018-04-26. Review status: no assertion criteria provided. Collection method: clinical testing. Allele origin: unknown. Affected: yes. Not counted in ClinVar's aggregate classification.

NM_007289.4(MME):c.769C>A (p.Arg257Ser)

Gene: MME (membrane metalloendopeptidase; plus strand). Cytogenetic location: 3q25.2.
Variant type: single nucleotide variant.
Coding change: c.769C>A on transcript NM_007289.4 (MANE Select); coding-DNA position 769, C replaced by A.
Protein change: p.Arg257Ser; replaces arginine 257 with serine.
Molecular consequence: missense variant.
Genome position (GRCh38, 1-based): chr3:155,138,150, C>A. VCF-style: chr3-155138150-C-A. GRCh37 (hg19) VCF-style: chr3-154855939-C-A.
Other names: c.769C>A, p.Arg257Ser (NM_000902.5, NM_001354642.2, NM_001354643.1 and 2 more transcripts); short protein forms R257S.
Identifiers: ClinVar variation 549701 (VCV000549701.5), dbSNP rs145687755, ClinGen allele CA2675270.